The following is an entry in ClinVar:

ClinVar aggregate classification (germline): Uncertain significance (1 of 4 stars; one submission).

Submission:

Labcorp Genetics (formerly Invitae), Labcorp
Classification: Uncertain significance. Last evaluated: 2024-10-26. Review status: criteria provided, single submitter. Criteria: Invitae Variant Classification Sherloc (09022015). Collection method: clinical testing. Allele origin: germline.
Comment: This sequence change falls in intron 21 of the CTR9 gene. It does not directly change the encoded amino acid sequence of the CTR9 protein. It affects a nucleotide within the consensus splice site. This variant is not present in population databases (gnomAD no frequency). This variant has not been reported in the literature in individuals affected with CTR9-related conditions. Variants that disrupt the consensus splice site are a relatively common cause of aberrant splicing (PMID: 17576681, 9536098). Algorithms developed to predict the effect of sequence changes on RNA splicing suggest that this variant may disrupt the consensus splice site. In summary, the available evidence is currently insufficient to determine the role of this variant in disease. Therefore, it has been classified as a Variant of Uncertain Significance.

Literature cited by the submitters: PubMed 17576681; PubMed 9536098.

NM_014633.5(CTR9):c.2727+5G>A

Gene: CTR9 (CTR9 component of Paf1/RNA polymerase II complex; plus strand). Cytogenetic location: 11p15.4.
Variant type: single nucleotide variant.
Coding change: c.2727+5G>A on transcript NM_014633.5 (MANE Select); 5 bases into the intron after coding-DNA position 2727, G replaced by A.
Molecular consequence: intron variant.
Genome position (GRCh38, 1-based): chr11:10,773,278, G>A. VCF-style: chr11-10773278-G-A. GRCh37 (hg19) VCF-style: chr11-10794825-G-A.
Other names: c.2655+5G>A (NM_001346279.2).
Identifiers: ClinVar variation 3723810 (VCV003723810.2).